The following is an entry in ClinVar:

ClinVar aggregate classification (germline): Uncertain significance (1 of 4 stars; one submission).

Conditions:
Cerebral folate transport deficiency. Also called: FOLATE RECEPTOR DEFICIENCY; NEURODEGENERATION DUE TO CEREBRAL FOLATE TRANSPORT DEFICIENCY; Neurodegenerative syndrome due to cerebral folate transport deficiency; FOLR1-Related Cerebral Folate Transport Deficiency; Cerebral folate deficiency syndrome. Identifiers: Orphanet 217382, MedGen C2751584, MONDO:0013110, OMIM 613068. Disease mechanism: loss of function.

Allele frequency attached by ClinVar (database versions not stated): gnomAD exomes below 0.00001 and 0.00001; gnomAD 0.00001; TOPMed 0.00002; 1000 Genomes Project 30x 0.00016; 1000 Genomes Project 0.00020.
gnomAD v4.1: 6 of 1,613,978 alleles (0.00037%); highest among the groups gnomAD compares: African/African-American, 0.0027%; no homozygotes.

Submission:

Labcorp Genetics (formerly Invitae), Labcorp
Classification: Uncertain significance for Cerebral folate transport deficiency. Last evaluated: 2022-07-19. Review status: criteria provided, single submitter. Criteria: Invitae Variant Classification Sherloc (09022015). Collection method: clinical testing. Allele origin: germline.
Comment: ClinVar contains an entry for this variant (Variation ID: 851223). This variant has not been reported in the literature in individuals affected with FOLR1-related conditions. This variant is present in population databases (rs138575051, gnomAD 0.007%). This sequence change replaces arginine, which is basic and polar, with glutamine, which is neutral and polar, at codon 58 of the FOLR1 protein (p.Arg58Gln). Algorithms developed to predict the effect of missense changes on protein structure and function (SIFT, PolyPhen-2, Align-GVGD) all suggest that this variant is likely to be tolerated. In summary, the available evidence is currently insufficient to determine the role of this variant in disease. Therefore, it has been classified as a Variant of Uncertain Significance.

NM_016729.3(FOLR1):c.173G>A (p.Arg58Gln)

Genes: FOLR1 (folate receptor alpha; plus strand), FOLR1-AS1 (FOLR1 antisense RNA 1; minus strand). Cytogenetic location: 11q13.4.
Variant type: single nucleotide variant.
Coding change: c.173G>A on transcript NM_016729.3 (MANE Select); coding-DNA position 173, G replaced by A.
Protein change: p.Arg58Gln; replaces arginine 58 with glutamine.
Molecular consequence: missense variant.
Genome position (GRCh38, 1-based): chr11:72,195,275, G>A. VCF-style: chr11-72195275-G-A. GRCh37 (hg19) VCF-style: chr11-71906319-G-A.
Other names: c.173G>A, p.Arg58Gln (NM_000802.3, NM_016724.3, NM_016725.3); short protein forms R58Q.
Identifiers: ClinVar variation 851223 (VCV000851223.8), dbSNP rs138575051, ClinGen allele CA224404442.